The following is an entry in ClinVar:

ClinVar aggregate classification (germline): Uncertain significance (0 of 4 stars; one submission).

Conditions:
NCOA1-related disorder. Also called: NCOA1-related condition.

Allele frequency attached by ClinVar (database versions not stated): gnomAD exomes 0.00001; TOPMed 0.00001; gnomAD 0.00003; ExAC 0.00005.
gnomAD v4.1: 25 of 1,614,192 alleles (0.0015%); highest among the groups gnomAD compares: Middle Eastern, 0.016%; no homozygotes.

Submission:

PreventionGenetics, part of Exact Sciences
Classification: Uncertain significance for NCOA1-related condition. Last evaluated: 2023-11-02. Review status: no assertion criteria provided. Collection method: clinical testing. Allele origin: germline.
Comment: The NCOA1 c.2462T>C variant is predicted to result in the amino acid substitution p.Leu821Pro. To our knowledge, this variant has not been reported in the literature. This variant is reported in 0.0088% of alleles in individuals of European (Non-Finnish) descent in gnomAD. At this time, the clinical significance of this variant is uncertain due to the absence of conclusive functional and genetic evidence.

NM_003743.5(NCOA1):c.2462T>C (p.Leu821Pro)

Gene: NCOA1 (nuclear receptor coactivator 1; plus strand). Cytogenetic location: 2p23.3.
Variant type: single nucleotide variant.
Coding change: c.2462T>C on transcript NM_003743.5 (MANE Select); coding-DNA position 2462, T replaced by C.
Protein change: p.Leu821Pro; replaces leucine 821 with proline.
Molecular consequence: missense variant.
Genome position (GRCh38, 1-based): chr2:24,710,974, T>C. VCF-style: chr2-24710974-T-C. GRCh37 (hg19) VCF-style: chr2-24933843-T-C.
Other names: c.2462T>C, p.Leu821Pro (NM_001362950.1, NM_001362952.1, NM_001362954.1 and 3 more transcripts); short protein forms L821P.
Identifiers: ClinVar variation 3058263 (VCV003058263.2), dbSNP rs750056952, ClinGen allele CA1552410.